The following is an entry in ClinVar:

NM_133497.4(KCNV2):c.193G>T (p.Asp65Tyr)

Gene: KCNV2 (potassium voltage-gated channel modifier subfamily V member 2; plus strand). Cytogenetic location: 9p24.2.
Variant type: single nucleotide variant.
Coding change: c.193G>T on transcript NM_133497.4 (MANE Select); coding-DNA position 193, G replaced by T.
Protein change: p.Asp65Tyr; replaces aspartic acid 65 with tyrosine.
Molecular consequence: missense variant.
Genome position (GRCh38, 1-based): chr9:2,717,932, G>T. VCF-style: chr9-2717932-G-T. GRCh37 (hg19) VCF-style: chr9-2717932-G-T.
Other names: short protein forms D65Y.
Identifiers: ClinVar variation 1973335 (VCV001973335.5), dbSNP rs745416881, ClinGen allele CA372795900.

ClinVar aggregate classification (germline): Uncertain significance (1 of 4 stars; one submission).

gnomAD v4.1: 1 of 1,614,052 alleles (0.000062%); highest among the groups gnomAD compares: Admixed American, 0.0017%; no homozygotes.

Submission:

Labcorp Genetics (formerly Invitae), Labcorp
Classification: Uncertain significance. Last evaluated: 2022-06-08. Review status: criteria provided, single submitter. Criteria: Invitae Variant Classification Sherloc (09022015). Collection method: clinical testing. Allele origin: germline.
Comment: In summary, the available evidence is currently insufficient to determine the role of this variant in disease. Therefore, it has been classified as a Variant of Uncertain Significance. Advanced modeling of protein sequence and biophysical properties (such as structural, functional, and spatial information, amino acid conservation, physicochemical variation, residue mobility, and thermodynamic stability) performed at Invitae indicates that this missense variant is not expected to disrupt KCNV2 protein function. This variant has not been reported in the literature in individuals affected with KCNV2-related conditions. This variant is not present in population databases (gnomAD no frequency). This sequence change replaces aspartic acid, which is acidic and polar, with tyrosine, which is neutral and polar, at codon 65 of the KCNV2 protein (p.Asp65Tyr).